The following is an entry in ClinVar:

NM_021098.3(CACNA1H):c.546-10C>T

Gene: CACNA1H (calcium voltage-gated channel subunit alpha1 H; plus strand). Cytogenetic location: 16p13.3.
Variant type: single nucleotide variant.
Coding change: c.546-10C>T on transcript NM_021098.3 (MANE Select); 10 bases into the intron before coding-DNA position 546, C replaced by T.
Molecular consequence: intron variant.
Genome position (GRCh38, 1-based): chr16:1,195,916, C>T. VCF-style: chr16-1195916-C-T. GRCh37 (hg19) VCF-style: chr16-1245916-C-T.
Other names: c.546-10C>T (NM_001005407.2).
Identifiers: ClinVar variation 446954 (VCV000446954.15), dbSNP rs35509671, ClinGen allele CA7799483.

ClinVar aggregate classification (germline): Benign/Likely benign. Review status: criteria provided, multiple submitters, no conflicts (2 of 4 stars). 5 submissions from 5 submitters: Benign (3); Likely benign (1). 1 of the submissions does not count toward it. Last evaluated 2026-02-02.

Conditions:
Hyperaldosteronism, familial, type IV (HALD4). Also called: FH IV; ALDOSTERONISM, PRIMARY, AND HYPERTENSION. Identifiers: Orphanet 642671, MedGen C4310756, MONDO:0014875, OMIM 617027.
Idiopathic generalized epilepsy. Also called: Generalised epilepsy; EIG. Identifiers: MedGen C0270850, MONDO:0005579, OMIM 600669.
CACNA1H-related disorder.

Allele frequency attached by ClinVar (database versions not stated): ESP Exome Variant Server 0.00899; ExAC 0.01182; gnomAD exomes 0.01243; gnomAD 0.01278 and 0.01282; TOPMed 0.01505; 1000 Genomes Project 0.02177; 1000 Genomes Project 30x 0.02280.
gnomAD v4.1: 7,873 of 1,610,874 alleles (0.49%); highest among the groups gnomAD compares: East Asian, 3.8%; 118 homozygotes.

Submissions (5):

Labcorp Genetics (formerly Invitae), Labcorp
Classification: Benign for Idiopathic generalized epilepsy; Hyperaldosteronism, familial, type IV. Last evaluated: 2026-02-02. Review status: criteria provided, single submitter. Criteria: Invitae Variant Classification Sherloc (09022015). Collection method: clinical testing. Allele origin: germline.

GeneDx
Classification: Likely benign. Last evaluated: 2021-05-05. Review status: criteria provided, single submitter. Criteria: GeneDx Variant Classification Process June 2021. Collection method: clinical testing. Allele origin: germline. Affected: yes.
Comment: See Variant Classification Assertion Criteria.

Athena Diagnostics
Classification: Benign. Last evaluated: 2017-06-29. Review status: criteria provided, single submitter. Criteria: Athena Diagnostics Criteria. Collection method: clinical testing. Allele origin: germline.

Breakthrough Genomics
Classification: Benign. Review status: criteria provided, single submitter. Criteria: ACMG Guidelines, 2015. Collection method: not provided. Allele origin: germline. Inheritance: Autosomal dominant inheritance. Affected: yes.

PreventionGenetics, part of Exact Sciences
Classification: Benign for CACNA1H-related condition. Last evaluated: 2019-04-12. Review status: no assertion criteria provided. Collection method: clinical testing. Allele origin: germline. Not counted in ClinVar's aggregate classification.
Comment: This variant is classified as benign based on ACMG/AMP sequence variant interpretation guidelines (Richards et al. 2015 PMID: 25741868, with internal and published modifications).